The following is an entry in ClinVar:

NM_021167.5(GATAD1):c.770C>T (p.Pro257Leu)

Gene: GATAD1 (GATA zinc finger domain containing 1; plus strand). Cytogenetic location: 7q21.2.
Variant type: single nucleotide variant.
Coding change: c.770C>T on transcript NM_021167.5 (MANE Select); coding-DNA position 770, C replaced by T.
Protein change: p.Pro257Leu; replaces proline 257 with leucine.
Molecular consequence: missense variant. On other transcripts: non-coding transcript variant (1).
Genome position (GRCh38, 1-based): chr7:92,456,522, C>T. VCF-style: chr7-92456522-C-T. GRCh37 (hg19) VCF-style: chr7-92085836-C-T.
Other names: short protein forms P257L.
Identifiers: ClinVar variation 1055710 (VCV001055710.11), dbSNP rs145306938, ClinGen allele CA4340367.

ClinVar aggregate classification (germline): Uncertain significance. Review status: criteria provided, multiple submitters, no conflicts (2 of 4 stars). 3 submissions from 3 submitters: Uncertain significance (3). Last evaluated 2025-10-24.

Conditions:
Cardiovascular phenotype. Identifiers: MedGen CN230736.
Dilated cardiomyopathy 2B. Identifiers: Orphanet 154, MedGen C3553409, MONDO:0013848, OMIM 614672.

Allele frequency attached by ClinVar (database versions not stated): ExAC 0.00002; gnomAD exomes 0.00004 and 0.00007; gnomAD 0.00006; TOPMed 0.00006; ESP Exome Variant Server 0.00015; 1000 Genomes Project 0.00020; 1000 Genomes Project 30x 0.00031.
gnomAD v4.1: 113 of 1,612,712 alleles (0.007%); highest among the groups gnomAD compares: Non-Finnish European, 0.0092%; 1 homozygote.

Submissions (3):

Labcorp Genetics (formerly Invitae), Labcorp
Classification: Uncertain significance for Dilated cardiomyopathy 2B. Last evaluated: 2025-10-24. Review status: criteria provided, single submitter. Criteria: Invitae Variant Classification Sherloc (09022015). Collection method: clinical testing. Allele origin: germline.
Comment: This sequence change replaces proline, which is neutral and non-polar, with leucine, which is neutral and non-polar, at codon 257 of the GATAD1 protein (p.Pro257Leu). This variant is present in population databases (rs145306938, gnomAD 0.006%). This variant has not been reported in the literature in individuals affected with GATAD1-related conditions. ClinVar contains an entry for this variant (Variation ID: 1055710). Invitae Evidence Modeling of protein sequence and biophysical properties (such as structural, functional, and spatial information, amino acid conservation, physicochemical variation, residue mobility, and thermodynamic stability) indicates that this missense variant is not expected to disrupt GATAD1 protein function with a negative predictive value of 80%. In summary, the available evidence is currently insufficient to determine the role of this variant in disease. Therefore, it has been classified as a Variant of Uncertain Significance.

Ambry Genetics
Classification: Uncertain significance for Cardiovascular phenotype. Last evaluated: 2024-08-11. Review status: criteria provided, single submitter. Criteria: Ambry Variant Classification Scheme 2023. Collection method: clinical testing. Allele origin: germline.
Comment: The p.P257L variant (also known as c.770C>T), located in coding exon 5 of the GATAD1 gene, results from a C to T substitution at nucleotide position 770. The proline at codon 257 is replaced by leucine, an amino acid with similar properties. This amino acid position is highly conserved in available vertebrate species. In addition, the in silico prediction for this alteration is inconclusive. Since supporting evidence is limited at this time, the clinical significance of this alteration remains unclear.

Fulgent Genetics
Classification: Uncertain significance for Dilated cardiomyopathy 2B. Last evaluated: 2021-11-01. Review status: criteria provided, single submitter. Criteria: ACMG Guidelines, 2015. Collection method: clinical testing. Allele origin: unknown.